The following is an entry in ClinVar:

ClinVar aggregate classification (germline): Likely benign. Review status: criteria provided, multiple submitters, no conflicts (2 of 4 stars). 4 submissions from 4 submitters: Likely benign (3). 1 of the submissions does not count toward it. Last evaluated 2025-07-10.

Conditions:
NEK1-related disorder. Also called: NEK1-related condition.
Short-rib thoracic dysplasia 6 with or without polydactyly (SRTD6). Also called: SHORT RIB-POLYDACTYLY SYNDROME, TYPE IIA; POLYDACTYLY WITH NEONATAL CHONDRODYSTROPHY, TYPE II; SHORT-RIB THORACIC DYSPLASIA 6 WITH POLYDACTYLY; SHORT-RIB THORACIC DYSPLASIA 6 WITHOUT POLYDACTYLY; Majewski Syndrome. Identifiers: MedGen C0024507, MONDO:0009894, OMIM 263520.

Allele frequency attached by ClinVar (database versions not stated): gnomAD exomes 0.00006 and 0.00011; ExAC 0.00007; gnomAD 0.00012; TOPMed 0.00012.
gnomAD v4.1: 104 of 1,501,318 alleles (0.0069%); highest among the groups gnomAD compares: Middle Eastern, 0.086%; no homozygotes.

Submissions (4):

Labcorp Genetics (formerly Invitae), Labcorp
Classification: Likely benign for Short-rib thoracic dysplasia 6 with or without polydactyly. Last evaluated: 2025-07-10. Review status: criteria provided, single submitter. Criteria: Invitae Variant Classification Sherloc (09022015). Collection method: clinical testing. Allele origin: germline.

Blueprint Genetics
Classification: Likely benign. Last evaluated: 2024-11-22. Review status: criteria provided, single submitter. Criteria: ACMG Guidelines, 2015. Collection method: clinical testing. Allele origin: germline.

Breakthrough Genomics
Classification: Likely benign. Review status: criteria provided, single submitter. Criteria: ACMG Guidelines, 2015. Collection method: not provided. Allele origin: germline. Inheritance: Autosomal recessive inheritance. Affected: yes.

PreventionGenetics, part of Exact Sciences
Classification: Likely benign for NEK1-related condition. Last evaluated: 2023-08-18. Review status: no assertion criteria provided. Collection method: clinical testing. Allele origin: germline. Not counted in ClinVar's aggregate classification.
Comment: This variant is classified as likely benign based on ACMG/AMP sequence variant interpretation guidelines (Richards et al. 2015 PMID: 25741868, with internal and published modifications).

NM_001199397.3(NEK1):c.114A>T (p.Ser38=)

Gene: NEK1 (NIMA related kinase 1; minus strand). Cytogenetic location: 4q33.
Variant type: single nucleotide variant.
Coding change: c.114A>T on transcript NM_001199397.3 (MANE Select); coding-DNA position 114, A replaced by T.
Protein change: p.Ser38=; no amino-acid change (serine 38 retained).
Molecular consequence: synonymous variant. On other transcripts: non-coding transcript variant (2).
Genome position (GRCh38, 1-based): chr4:169,602,517, T>A on the plus strand (A>T on the coding strand, the complement: NEK1 is on the minus strand). VCF-style: chr4-169602517-T-A. GRCh37 (hg19) VCF-style: chr4-170523668-T-A.
Other names: c.114A>T (NM_012224.2); c.114A>T, p.Ser38= (NM_001199398.3, NM_001199399.3, NM_001199400.3 and 7 more transcripts).
Identifiers: ClinVar variation 1153175 (VCV001153175.13), dbSNP rs778749876, ClinGen allele CA3138120.